The following is an entry in ClinVar:

NM_022114.4(PRDM16):c.574-141T>G

Gene: PRDM16 (PR/SET domain 16; plus strand). Cytogenetic location: 1p36.32.
Variant type: single nucleotide variant.
Coding change: c.574-141T>G on transcript NM_022114.4 (MANE Select); 141 bases into the intron before coding-DNA position 574, T replaced by G.
Molecular consequence: intron variant.
Genome position (GRCh38, 1-based): chr1:3,396,350, T>G. VCF-style: chr1-3396350-T-G. GRCh37 (hg19) VCF-style: chr1-3312914-T-G.
Other names: c.574-141T>G (NM_199454.3).
Identifiers: ClinVar variation 674709 (VCV000674709.2), dbSNP rs871822, ClinGen allele CA543878.

ClinVar aggregate classification (germline): Benign. Review status: criteria provided, multiple submitters, no conflicts (2 of 4 stars). 2 submissions from 2 submitters: Benign (2). Last evaluated 2018-06-14.

Allele frequency attached by ClinVar (database versions not stated): gnomAD 0.34081 and 0.35087; gnomAD exomes 0.35072 and 0.38802; TOPMed 0.35532; ExAC 0.43363; 1000 Genomes Project 30x 0.45784; 1000 Genomes Project 0.46026.
gnomAD v4.1: 246,897 of 705,132 alleles (35%); highest among the groups gnomAD compares: East Asian, 60%; 47,714 homozygotes.

Submissions (2):

GeneDx
Classification: Benign. Last evaluated: 2018-06-14. Review status: criteria provided, single submitter. Criteria: GeneDx Variant Classification (06012015). Collection method: clinical testing. Allele origin: germline. Affected: yes.
Comment: This variant is considered likely benign or benign based on one or more of the following criteria: it is a conservative change, it occurs at a poorly conserved position in the protein, it is predicted to be benign by multiple in silico algorithms, and/or has population frequency not consistent with disease.

Breakthrough Genomics
Classification: Benign. Review status: criteria provided, single submitter. Criteria: ACMG Guidelines, 2015. Collection method: not provided. Allele origin: germline. Inheritance: Autosomal dominant inheritance. Affected: yes.